The following is an entry in ClinVar:

NM_017849.4(TMEM127):c.556G>C (p.Ala186Pro)

Gene: TMEM127 (transmembrane protein 127; minus strand). Cytogenetic location: 2q11.2.
Variant type: single nucleotide variant.
Coding change: c.556G>C on transcript NM_017849.4 (MANE Select); coding-DNA position 556, G replaced by C.
Protein change: p.Ala186Pro; replaces alanine 186 with proline.
Molecular consequence: missense variant.
Genome position (GRCh38, 1-based): chr2:96,253,969, C>G on the plus strand (G>C on the coding strand, the complement: TMEM127 is on the minus strand). VCF-style: chr2-96253969-C-G. GRCh37 (hg19) VCF-style: chr2-96919707-C-G.
Other names: c.556G>C, p.Ala186Pro (NM_001193304.3); short protein forms A186P.
Identifiers: ClinVar variation 577865 (VCV000577865.17), dbSNP rs764012422, ClinGen allele CA347652373.

ClinVar aggregate classification (germline): Conflicting classifications of pathogenicity. Review status: criteria provided, conflicting classifications (1 of 4 stars). 6 submissions from 6 submitters: Likely pathogenic (1); Uncertain significance (4); Likely benign (1). Last evaluated 2026-01-15.

Conditions:
Hereditary cancer. Identifiers: MedGen C1333600.
Hereditary cancer-predisposing syndrome. Also called: Neoplastic Syndromes, Hereditary; Hereditary Cancer Syndrome; Hereditary neoplastic syndrome; Tumor predisposition. Identifiers: Orphanet 140162, MedGen C0027672, MeSH D009386, MONDO:0015356.
Hereditary pheochromocytoma and paraganglioma. Also called: Hereditary Paraganglioma-Pheochromocytoma Syndromes; Hereditary pheochromocytoma-paraganglioma; Hereditary paragangliomas and pheochromocytomas. Identifiers: Orphanet 29072, MedGen C4274332, MONDO:0017366.
Pheochromocytoma. Also called: MAX-Related Hereditary Paraganglioma-Pheochromocytoma Syndrome. Identifiers: Orphanet 29072, MedGen C0031511, MONDO:0008233, OMIM 171300, HP:0002666.

Allele frequency attached by ClinVar (database versions not stated): gnomAD 0.00001; TOPMed below 0.00001.
gnomAD v4.1: 1 of 1,614,044 alleles (0.000062%); highest among the groups gnomAD compares: Non-Finnish European, 0.000085%; no homozygotes.

Submissions (6):

Labcorp Genetics (formerly Invitae), Labcorp
Classification: Uncertain significance for Hereditary pheochromocytoma and paraganglioma. Last evaluated: 2026-01-15. Review status: criteria provided, single submitter. Criteria: Invitae Variant Classification Sherloc (09022015). Collection method: clinical testing. Allele origin: germline.
Comment: This sequence change replaces alanine, which is neutral and non-polar, with proline, which is neutral and non-polar, at codon 186 of the TMEM127 protein (p.Ala186Pro). This variant is not present in population databases (gnomAD no frequency). This missense change has been observed in individual(s) with pheochromocytoma (PMID: 30877234, 33051659, 35189708). ClinVar contains an entry for this variant (Variation ID: 577865). An algorithm developed to predict the effect of missense changes on protein structure and function (PolyPhen-2) suggests that this variant is likely to be disruptive. In summary, the available evidence is currently insufficient to determine the role of this variant in disease. Therefore, it has been classified as a Variant of Uncertain Significance.

Ambry Genetics
Classification: Likely pathogenic for Hereditary cancer-predisposing syndrome. Last evaluated: 2025-03-27. Review status: criteria provided, single submitter. Criteria: Ambry Variant Classification Scheme 2023. Collection method: clinical testing. Allele origin: germline.
Comment: The p.A186P variant (also known as c.556G>C), located in coding exon 3 of the TMEM127 gene, results from a G to C substitution at nucleotide position 556. The alanine at codon 186 is replaced by proline, an amino acid with highly similar properties. This variant was reported in individual(s) with features consistent with TMEM127-related paraganglioma and pheochromocytoma syndrome (Ben Aim L et al. J Med Genet, 2019 Aug;56:513-520; Armaiz-Pena G et al. J Clin Endocrinol Metab, 2021 Jan;106:e350-e364). This amino acid position is highly conserved in available vertebrate species. In addition, this alteration is predicted to be deleterious by in silico analysis. This variant is considered to be rare based on population cohorts in the Genome Aggregation Database (gnomAD). Based on the majority of available evidence to date, this variant is likely to be pathogenic.

Mendelics
Classification: Likely benign for Hereditary cancer. Last evaluated: 2025-02-26. Review status: criteria provided, single submitter. Criteria: ACMG Guidelines, 2015. Collection method: clinical testing. Allele origin: unknown.
Comment: This variant is considered likely benign or benign based on one or more of the following: it is predicted to be benign by multiple in silico algorithms, and/or has population frequency not consistent with disease, and/or has normal protein function, and/or has lack of segregation with disease, and/or has been detected in co-occurrence with known pathogenic variant, and/or has lack of disease association in case-control studies, and/or is located in a region inconsistent with a known cause of pathogenicity.

Dasa
Classification: Uncertain significance for pheochromocytoma. Last evaluated: 2024-10-24. Review status: criteria provided, single submitter. Criteria: DASA Assertion Criteria. Collection method: clinical testing. Allele origin: germline.
Comment: NM_017849.4(TMEM127):c.556G>C (p.Ala186Pro) is a missense variant that results in the substitution of alanine with proline. This variant has been recurrently observed in individuals with TMEM127-related disorders (PMID: 30877234; PMID: 33051659). Also, this variant is rare in population databases. The currently available literature and clinical evidence are not sufficient to establish a definitive association between this variant and the reported condition. Therefore, this variant is classified as a variant of uncertain significance.

Quest Diagnostics Nichols Institute San Juan Capistrano
Classification: Uncertain significance. Last evaluated: 2024-02-19. Review status: criteria provided, single submitter. Criteria: Quest Diagnostics criteria. Collection method: clinical testing. Allele origin: unknown.
Comment: The TMEM127 c.556G>C (p.Ala186Pro) variant has been reported in the published literature in individuals with pheochromocytoma (PMIDs: 30877234 (2019), 33051659 (2021), and 35189708 (2022)). The frequency of this variant in the general population, 0.0000066 (1/152154 chromosomes (Genome Aggregation Database)), is uninformative in the assessment of its pathogenicity. Analysis of this variant using bioinformatics tools for the prediction of the effect of amino acid changes on protein structure and function yielded predictions that this variant is damaging. Based on the available information, we are unable to determine the clinical significance of this variant.

Baylor Genetics
Classification: Uncertain significance for Pheochromocytoma. Last evaluated: 2024-02-05. Review status: criteria provided, single submitter. Criteria: ACMG Guidelines, 2015. Collection method: clinical testing. Allele origin: unknown.

Literature cited by the submitters: PubMed 30877234 (cited by 4 submitters); PubMed 33051659 (cited by 4 submitters); PubMed 35189708 (cited by Labcorp Genetics (formerly Invitae), Labcorp and Quest Diagnostics Nichols Institute San Juan Capistrano).